The following is an entry in ClinVar:

ClinVar aggregate classification (germline): Uncertain significance. Review status: criteria provided, multiple submitters, no conflicts (2 of 4 stars). 2 submissions from 2 submitters: Uncertain significance (2). Last evaluated 2026-01-22.

Allele frequency attached by ClinVar (database versions not stated): gnomAD exomes below 0.00001; ExAC 0.00001; ESP Exome Variant Server 0.00008.
gnomAD v4.1: 3 of 1,612,212 alleles (0.00019%); highest among the groups gnomAD compares: Non-Finnish European, 0.00017%; no homozygotes.

Submissions (2):

Ambry Genetics
Classification: Uncertain significance. Last evaluated: 2026-01-22. Review status: criteria provided, single submitter. Criteria: Ambry Variant Classification Scheme 2023. Collection method: clinical testing. Allele origin: germline.
Comment: The p.Q488R variant (also known as c.1463A>G), located in coding exon 13 of the GEN1 gene, results from an A to G substitution at nucleotide position 1463. The glutamine at codon 488 is replaced by arginine, an amino acid with highly similar properties. This amino acid position is conserved. In addition, this alteration is predicted to be tolerated by in silico analysis. Based on the available evidence, the clinical significance of this variant remains unclear.

Labcorp Genetics (formerly Invitae), Labcorp
Classification: Uncertain significance. Last evaluated: 2025-10-06. Review status: criteria provided, single submitter. Criteria: Invitae Variant Classification Sherloc (09022015). Collection method: clinical testing. Allele origin: germline.
Comment: This sequence change replaces glutamine, which is neutral and polar, with arginine, which is basic and polar, at codon 488 of the GEN1 protein (p.Gln488Arg). This variant is present in population databases (rs377610632, gnomAD 0.0009%). This variant has not been reported in the literature in individuals affected with GEN1-related conditions. ClinVar contains an entry for this variant (Variation ID: 2477930). An algorithm developed to predict the effect of missense changes on protein structure and function (PolyPhen-2) suggests that this variant is likely to be tolerated. In summary, the available evidence is currently insufficient to determine the role of this variant in disease. Therefore, it has been classified as a Variant of Uncertain Significance.

NM_001130009.3(GEN1):c.1463A>G (p.Gln488Arg)

Gene: GEN1 (GEN1 structure-specific endonuclease; plus strand). Cytogenetic location: 2p24.2.
Variant type: single nucleotide variant.
Coding change: c.1463A>G on transcript NM_001130009.3 (MANE Select); coding-DNA position 1463, A replaced by G.
Protein change: p.Gln488Arg; replaces glutamine 488 with arginine.
Molecular consequence: missense variant.
Genome position (GRCh38, 1-based): chr2:17,780,675, A>G. VCF-style: chr2-17780675-A-G. GRCh37 (hg19) VCF-style: chr2-17961942-A-G.
Other names: c.1463A>G, p.Gln488Arg (NM_182625.5); short protein forms Q488R.
Identifiers: ClinVar variation 2477930 (VCV002477930.4), dbSNP rs377610632, ClinGen allele CA1540774.
Genomic context (GRCh38, chr2:17,780,675, plus strand): 5'-TTTCAGGTATTAAGCCTAAAGAAAACAATTTGCCAGAACCAGATGAAGTAATGAGCTTTC[A>G]GTCACACATGACTTTAAAACCCACATGTGAAATCTTTCATAAGCAGAATTCCAAGTTAAA-3'
Protein context (NP_001123481.3, residues 478-498): LPEPDEVMSF[Gln488Arg]SHMTLKPTCE